The following is an entry in ClinVar:

NM_001368397.1(FRMPD4):c.1423G>A (p.Glu475Lys)

Gene: FRMPD4 (FERM and PDZ domain containing 4; plus strand). Cytogenetic location: Xp22.2.
Variant type: single nucleotide variant.
Coding change: c.1423G>A on transcript NM_001368397.1 (MANE Select); coding-DNA position 1423, G replaced by A.
Protein change: p.Glu475Lys; replaces glutamic acid 475 with lysine.
Molecular consequence: missense variant.
Genome position (GRCh38, 1-based): chrX:12,707,604, G>A. VCF-style: chrX-12707604-G-A. GRCh37 (hg19) VCF-style: chrX-12725723-G-A.
Other names: c.1399G>A, p.Glu467Lys (NM_001368401.1, NM_001368402.3); c.1423G>A, p.Glu475Lys (NM_014728.3); c.1534G>A, p.Glu512Lys (NM_001368395.3, NM_001368398.3); c.1429G>A, p.Glu477Lys (NM_001368396.3); c.1414G>A, p.Glu472Lys (NM_001368399.3); c.1303G>A, p.Glu435Lys (NM_001368400.3); short protein forms E435K, E467K, E472K, E475K, E477K, E512K.
Identifiers: ClinVar variation 982668 (VCV000982668.40), dbSNP rs761416670, ClinGen allele CA10349289.

ClinVar aggregate classification (germline): Uncertain significance. Review status: criteria provided, multiple submitters, no conflicts (2 of 4 stars). 4 submissions from 4 submitters: Uncertain significance (4). Last evaluated 2021-11-01.

Conditions:
Intellectual developmental disorder, X-linked 104. Also called: Intellectual disability, X-linked 104. Identifiers: MedGen C4310817, MONDO:0010509, OMIM 300983.

Allele frequency attached by ClinVar (database versions not stated): ExAC 0.00003; TOPMed below 0.00001; gnomAD 0.00001; gnomAD exomes 0.00003.
gnomAD v4.1: 9 of 1,209,302 alleles (0.00074%); highest among the groups gnomAD compares: East Asian, 0.0089%; no homozygotes.

Submissions (4):

CeGaT Center for Human Genetics Tuebingen
Classification: Uncertain significance. Last evaluated: 2021-11-01. Review status: criteria provided, single submitter. Criteria: CeGaT Center For Human Genetics Tuebingen Variant Classification Criteria Version 2. Collection method: clinical testing. Allele origin: germline. Affected: yes. Observed: 1 variant allele.

Institute of Human Genetics, University of Leipzig Medical Center
Classification: Uncertain significance for Intellectual developmental disorder, X-linked 104. Last evaluated: 2019-01-01. Review status: criteria provided, single submitter. Criteria: ACMG Guidelines, 2015. Collection method: clinical testing. Allele origin: unknown. Affected: yes.

Genetic Services Laboratory, University of Chicago
Classification: Uncertain significance. Last evaluated: 2017-10-25. Review status: criteria provided, single submitter. Criteria: ACMG Guidelines, 2015. Collection method: clinical testing. Allele origin: germline. Affected: no.

Juno Genomics, Hangzhou Juno Genomics, Inc
Classification: Uncertain significance for Intellectual developmental disorder, X-linked 104. Review status: criteria provided, single submitter. Criteria: ACMG Guidelines, 2015. Collection method: clinical testing. Allele origin: germline.
Comment: Absent from controls (or at extremely low frequency if recessive) in Genome Aggregation Database.